The following is an entry in ClinVar:

ClinVar aggregate classification (germline): Uncertain significance (1 of 4 stars; one submission).

Submission:

Labcorp Genetics (formerly Invitae), Labcorp
Classification: Uncertain significance. Last evaluated: 2024-02-16. Review status: criteria provided, single submitter. Criteria: Invitae Variant Classification Sherloc (09022015). Collection method: clinical testing. Allele origin: germline.
Comment: This sequence change replaces cysteine, which is neutral and slightly polar, with arginine, which is basic and polar, at codon 2388 of the SPTA1 protein (p.Cys2388Arg). This variant is not present in population databases (gnomAD no frequency). This variant has not been reported in the literature in individuals affected with SPTA1-related conditions. Advanced modeling of protein sequence and biophysical properties (such as structural, functional, and spatial information, amino acid conservation, physicochemical variation, residue mobility, and thermodynamic stability) performed at Invitae indicates that this missense variant is expected to disrupt SPTA1 protein function with a positive predictive value of 80%. In summary, the available evidence is currently insufficient to determine the role of this variant in disease. Therefore, it has been classified as a Variant of Uncertain Significance.

NM_003126.4(SPTA1):c.7162T>C (p.Cys2388Arg)

Genes: OR10Z1 (olfactory receptor family 10 subfamily Z member 1; plus strand), SPTA1 (spectrin alpha, erythrocytic 1; minus strand). Cytogenetic location: 1q23.1.
Variant type: single nucleotide variant.
Coding change: c.7162T>C on transcript NM_003126.4 (MANE Select); coding-DNA position 7162, T replaced by C.
Protein change: p.Cys2388Arg; replaces cysteine 2388 with arginine.
Molecular consequence: missense variant. On other transcripts: 3 prime UTR variant (1).
Genome position (GRCh38, 1-based): chr1:158,611,362, A>G on the plus strand (T>C on the coding strand, the complement: SPTA1 is on the minus strand). VCF-style: chr1-158611362-A-G. GRCh37 (hg19) VCF-style: chr1-158581152-A-G.
Other names: c.*3982A>G (NM_001004478.2); short protein forms C2388R.
Identifiers: ClinVar variation 2739646 (VCV002739646.3), dbSNP rs2526152510, ClinGen allele CA343010373.